The following is an entry in ClinVar:

ClinVar aggregate classification (germline): Pathogenic/Likely pathogenic. Review status: criteria provided, multiple submitters, no conflicts (2 of 4 stars). 8 submissions from 8 submitters: Pathogenic (3); Likely pathogenic (4). 1 of the submissions does not count toward it. Last evaluated 2026-07-06.

Conditions:
Tay-Sachs disease (TSD). Also called: GM2 gangliosidosis, type 1; Hexosaminidase alpha-subunit deficiency (variant B); Sphingolipidosis, Tay-Sachs; Hexosaminidase A Deficiency; HEXA Disorders; HEXA DEFICIENCY. Identifiers: Orphanet 845, MedGen C0039373, MONDO:0010100, OMIM 272800.

Allele frequency attached by ClinVar (database versions not stated): gnomAD exomes 0.00002 and below 0.00001; TOPMed 0.00004; gnomAD 0.00005; ExAC 0.00003.

Submissions (8):

MVZ Martinsried, Medicover Genetics
Classification: Likely pathogenic for Tay-Sachs disease. Last evaluated: 2026-07-06. Review status: criteria provided, single submitter. Criteria: ClinGen Variant Curation SOP V3.2 + Classification Guidance July2025. Collection method: clinical testing. Allele origin: unknown. Affected: yes. Observed: 1 homozygote.

Labcorp Genetics (formerly Invitae), Labcorp
Classification: Pathogenic for Tay-Sachs disease. Last evaluated: 2026-01-26. Review status: criteria provided, single submitter. Criteria: Invitae Variant Classification Sherloc (09022015). Collection method: clinical testing. Allele origin: germline.
Comment: This sequence change affects an acceptor splice site in intron 4 of the HEXA gene. It is expected to disrupt RNA splicing. Variants that disrupt the donor or acceptor splice site typically lead to a loss of protein function (PMID: 16199547), and loss-of-function variants in HEXA are known to be pathogenic (PMID: 1833974, 8490625). This variant is present in population databases (rs764343937, gnomAD 0.02%). Disruption of this splice site has been observed in individual(s) with Tay-Sachs disease (PMID: 1827945). ClinVar contains an entry for this variant (Variation ID: 496011). Algorithms developed to predict the effect of sequence changes on RNA splicing suggest that this variant may disrupt the consensus splice site. For these reasons, this variant has been classified as Pathogenic.

Natera, Inc.
Classification: Likely pathogenic for Tay-Sachs disease. Last evaluated: 2025-11-26. Review status: criteria provided, single submitter. Criteria: Natera Variant Classification Schema (03/2026). Collection method: clinical testing. Allele origin: germline.
Comment: The c.460-1G>T variant in HEXA is a canonical splice acceptor site variant predicted to affect pre-mRNA splicing, which may result in an abnormal transcript and altered protein product. This variant is expected to result in nonsense mediated decay, truncation, or a dysfunctional protein product. This variant is rare in the general population with a frequency below the threshold expected for the associated phenotype(s). This variant has been observed in one or more individuals affected with the associated recessive disease, as either homozygous or compound heterozygous with a second variant (PMID: 1827945). Given the available evidence, this variant is classified as Likely Pathogenic.

GeneDx
Classification: Likely pathogenic. Last evaluated: 2023-10-27. Review status: criteria provided, single submitter. Criteria: GeneDx Variant Classification Process June 2021. Collection method: clinical testing. Allele origin: germline. Affected: yes.
Comment: Canonical splice site variant predicted to result in an in-frame loss of the adjacent exon in a gene for which loss of function is a known mechanism of disease; This variant is associated with the following publications: (PMID: 25525159, 31388111, 1827945)

Myriad Genetics, Inc.
Classification: Likely pathogenic for Tay-Sachs disease. Last evaluated: 2021-11-08. Review status: criteria provided, single submitter. Criteria: Myriad Women's Health Autosomal Recessive and X-Linked Classification Criteria (2021). Collection method: clinical testing. Allele origin: unknown.
Comment: NM_000520.4(HEXA):c.460-1G>T is a canonical splice variant classified as likely pathogenic in the context of hexosaminidase A deficiency. c.460-1G>T has been observed in cases with relevant disease (PMID: 1827945, 31388111). Functional assessments of this variant are not available in the literature. c.460-1G>T has been observed in population frequency databases (gnomAD: AFR 0.02%). In summary, NM_000520.4(HEXA):c.460-1G>T is a canonical splice variant that has been observed more frequently in cases with the relevant disease than in healthy populations. Please note: this variant was assessed in the context of healthy population screening.

Revvity Omics, Revvity
Classification: Pathogenic for Tay-Sachs disease. Last evaluated: 2019-11-11. Review status: criteria provided, single submitter. Criteria: ACMG Guidelines, 2015. Collection method: clinical testing. Allele origin: germline.

Women's Health and Genetics/Laboratory Corporation of America, LabCorp
Classification: Pathogenic for Tay-Sachs disease. Last evaluated: 2016-06-03. Review status: criteria provided, single submitter. Criteria: LabCorp Variant Classification Summary - May 2015. Collection method: clinical testing. Allele origin: germline.
Comment: Variant summary: The HEXA c.460-1G>T variant involves the alteration of a conserved intronic nucleotide at the splice acceptor site of intron 4. One in silico tool predicts a damaging outcome for this variant. 5/5 splice prediction tools predict that this variant abolishes the 3' splicing acceptor site. This variant has been found in two patients with Tay-Sachs disease in homozygous and heterozygous state, repectively. HEX A activity in these patients was extremely low or absent. This variant was also found in 3/96942 control chromosomes at a frequency of 0.0000309, which does not exceed the estimated maximal expected allele frequency of a pathogenic HEXA variant (0.0013975). In addition, OMIM and HGMD report this variant as pathogenic/disease variant. Taken together, this variant was classified as pathogenic.

OMIM
Classification: Pathogenic for TAY-SACHS DISEASE. Last evaluated: 1991-06-01. Review status: no assertion criteria provided. Collection method: literature only. Allele origin: germline. Not counted in ClinVar's aggregate classification.

Literature cited by the submitters: PubMed 16199547 (cited by Labcorp Genetics (formerly Invitae), Labcorp); PubMed 1833974 (cited by Labcorp Genetics (formerly Invitae), Labcorp); PubMed 8490625 (cited by Labcorp Genetics (formerly Invitae), Labcorp); PubMed 1827945 (cited by 5 submitters); PubMed 31388111 (cited by Myriad Genetics, Inc.); PubMed 25525159 (cited by Women's Health and Genetics/Laboratory Corporation of America, LabCorp).

NM_000520.6(HEXA):c.460-1G>T

Gene: HEXA (hexosaminidase subunit alpha; minus strand). Cytogenetic location: 15q23.
Variant type: single nucleotide variant.
Coding change: c.460-1G>T on transcript NM_000520.6 (MANE Select); the canonical splice acceptor site of the intron before coding-DNA position 460, G replaced by T.
Molecular consequence: splice acceptor variant.
Genome position (GRCh38, 1-based): chr15:72,353,179, C>A on the plus strand (G>T on the coding strand, the complement: HEXA is on the minus strand). VCF-style: chr15-72353179-C-A. GRCh37 (hg19) VCF-style: chr15-72645520-C-A.
Other names: IVS4, G-T, -1; c.493-1G>T (NM_001318825.2); c.460-1G>T (NM_000520.5).
Identifiers: ClinVar variation 496011 (VCV000496011.191), dbSNP rs764343937, ClinGen allele CA7644986.